The following is an entry in ClinVar:

NM_014225.6(PPP2R1A):c.1595C>G (p.Pro532Arg)

Genes: PPP2R1A (protein phosphatase 2 scaffold subunit Aalpha; plus strand), LOC126862924 (BRD4-independent group 4 enhancer GRCh37_chr19:52724813-52726012; plus strand). Cytogenetic location: 19q13.41.
Variant type: single nucleotide variant.
Coding change: c.1595C>G on transcript NM_014225.6 (MANE Select); coding-DNA position 1595, C replaced by G.
Protein change: p.Pro532Arg; replaces proline 532 with arginine.
Molecular consequence: missense variant. On other transcripts: non-coding transcript variant (1).
Genome position (GRCh38, 1-based): chr19:52,222,175, C>G. VCF-style: chr19-52222175-C-G. GRCh37 (hg19) VCF-style: chr19-52725428-C-G.
Other names: c.1058C>G, p.Pro353Arg (NM_001363656.2); short protein forms P353R, P532R.
Identifiers: ClinVar variation 2861380 (VCV002861380.3), dbSNP rs1194775389, ClinGen allele CA407154579.

ClinVar aggregate classification (germline): Uncertain significance (1 of 4 stars; one submission).

gnomAD v4.1: 1 of 1,614,172 alleles (0.000062%); highest among the groups gnomAD compares: Non-Finnish European, 0.000085%; no homozygotes.

Submission:

Labcorp Genetics (formerly Invitae), Labcorp
Classification: Uncertain significance. Last evaluated: 2023-05-12. Review status: criteria provided, single submitter. Criteria: Invitae Variant Classification Sherloc (09022015). Collection method: clinical testing. Allele origin: germline.
Comment: This sequence change replaces proline, which is neutral and non-polar, with arginine, which is basic and polar, at codon 532 of the PPP2R1A protein (p.Pro532Arg). This variant is not present in population databases (gnomAD no frequency). This variant has not been reported in the literature in individuals affected with PPP2R1A-related conditions. Advanced modeling of protein sequence and biophysical properties (such as structural, functional, and spatial information, amino acid conservation, physicochemical variation, residue mobility, and thermodynamic stability) performed at Invitae indicates that this missense variant is not expected to disrupt PPP2R1A protein function. In summary, the available evidence is currently insufficient to determine the role of this variant in disease. Therefore, it has been classified as a Variant of Uncertain Significance.